The following is an entry in ClinVar:

ClinVar aggregate classification (germline): Uncertain significance (1 of 4 stars; one submission).

Conditions:
Disseminated atypical mycobacterial infection. Identifiers: MedGen C0694566.

Submission:

Labcorp Genetics (formerly Invitae), Labcorp
Classification: Uncertain significance for Disseminated atypical mycobacterial infection. Last evaluated: 2023-11-06. Review status: criteria provided, single submitter. Criteria: Invitae Variant Classification Sherloc (09022015). Collection method: clinical testing. Allele origin: germline.
Comment: This sequence change replaces histidine, which is basic and polar, with arginine, which is basic and polar, at codon 370 of the IFNGR1 protein (p.His370Arg). This variant is not present in population databases (gnomAD no frequency). This variant has not been reported in the literature in individuals affected with IFNGR1-related conditions. Advanced modeling of protein sequence and biophysical properties (such as structural, functional, and spatial information, amino acid conservation, physicochemical variation, residue mobility, and thermodynamic stability) performed at Invitae indicates that this missense variant is not expected to disrupt IFNGR1 protein function with a negative predictive value of 80%. In summary, the available evidence is currently insufficient to determine the role of this variant in disease. Therefore, it has been classified as a Variant of Uncertain Significance.

NM_000416.3(IFNGR1):c.1109A>G (p.His370Arg)

Gene: IFNGR1 (interferon gamma receptor 1; minus strand). Cytogenetic location: 6q23.3.
Variant type: single nucleotide variant.
Coding change: c.1109A>G on transcript NM_000416.3 (MANE Select); coding-DNA position 1109, A replaced by G.
Protein change: p.His370Arg; replaces histidine 370 with arginine.
Molecular consequence: missense variant.
Genome position (GRCh38, 1-based): chr6:137,198,392, T>C on the plus strand (A>G on the coding strand, the complement: IFNGR1 is on the minus strand). VCF-style: chr6-137198392-T-C. GRCh37 (hg19) VCF-style: chr6-137519529-T-C.
Other names: c.1079A>G, p.His360Arg (NM_001363526.1); c.986A>G, p.His329Arg (NM_001363527.1); short protein forms H370R, H360R, H329R.
Identifiers: ClinVar variation 2754266 (VCV002754266.3), dbSNP rs2548227938, ClinGen allele CA365772751.